The following is an entry in ClinVar:

NM_003823.4(TNFRSF6B):c.674C>T (p.Ser225Phe)

Genes: RTEL1-TNFRSF6B (RTEL1-TNFRSF6B readthrough (NMD candidate); plus strand), TNFRSF6B (TNF receptor superfamily member 6b; plus strand). Cytogenetic location: 20q13.33.
Variant type: single nucleotide variant.
Coding change: c.674C>T on transcript NM_003823.4 (MANE Select); coding-DNA position 674, C replaced by T.
Protein change: p.Ser225Phe; replaces serine 225 with phenylalanine.
Molecular consequence: missense variant. On other transcripts: non-coding transcript variant (1).
Genome position (GRCh38, 1-based): chr20:63,698,334, C>T. VCF-style: chr20-63698334-C-T. GRCh37 (hg19) VCF-style: chr20-62329687-C-T.
Other names: short protein forms S225F.
Identifiers: ClinVar variation 1470190 (VCV001470190.8), dbSNP rs2145493858, ClinGen allele CA409711953.
Genomic context (GRCh38, chr20:63,698,334, plus strand): 5'-CTGCAGGAGCTGAGGAGTGTGAGCGTGCCGTCATCGACTTTGTGGCTTTCCAGGACATCT[C>T]CATCAAGAGGCTGCAGCGGCTGCTGCAGGCCCTCGAGGCCCCGGAGGGCTGGGGTCCGAC-3'
Protein context (NP_003814.1, residues 215-235): VIDFVAFQDI[Ser225Phe]IKRLQRLLQA

ClinVar aggregate classification (germline): Uncertain significance (1 of 4 stars; one submission).

Submission:

Labcorp Genetics (formerly Invitae), Labcorp
Classification: Uncertain significance. Last evaluated: 2025-11-23. Review status: criteria provided, single submitter. Criteria: Invitae Variant Classification Sherloc (09022015). Collection method: clinical testing. Allele origin: germline.
Comment: This sequence change replaces serine, which is neutral and polar, with phenylalanine, which is neutral and non-polar, at codon 225 of the TNFRSF6B protein (p.Ser225Phe). This variant is not present in population databases (gnomAD no frequency). This variant has not been reported in the literature in individuals affected with TNFRSF6B-related conditions. ClinVar contains an entry for this variant (Variation ID: 1470190). An algorithm developed to predict the effect of missense changes on protein structure and function (PolyPhen-2) suggests that this variant is likely to be disruptive. In summary, the available evidence is currently insufficient to determine the role of this variant in disease. Therefore, it has been classified as a Variant of Uncertain Significance.